The following is an entry in ClinVar:

NM_000041.4(APOE):c.625C>T (p.Arg209Trp)

Gene: APOE (apolipoprotein E; plus strand). Cytogenetic location: 19q13.32.
Variant type: single nucleotide variant.
Coding change: c.625C>T on transcript NM_000041.4 (MANE Select); coding-DNA position 625, C replaced by T.
Protein change: p.Arg209Trp; replaces arginine 209 with tryptophan.
Molecular consequence: missense variant.
Genome position (GRCh38, 1-based): chr19:44,908,921, C>T. VCF-style: chr19-44908921-C-T. GRCh37 (hg19) VCF-style: chr19-45412178-C-T.
Other names: c.703C>T, p.Arg235Trp (NM_001302688.2); c.625C>T, p.Arg209Trp (NM_001302689.2, NM_001302690.2, NM_001302691.2); short protein forms R235W, R209W.
Identifiers: ClinVar variation 2586037 (VCV002586037.2), dbSNP rs1459595735, ClinGen allele CA406304422.

ClinVar aggregate classification (germline): Uncertain significance (1 of 4 stars; one submission).

Conditions:
Cardiovascular phenotype. Identifiers: MedGen CN230736.

Allele frequency attached by ClinVar (database versions not stated): gnomAD exomes below 0.00001; gnomAD 0.00001; TOPMed 0.00002.

Submission:

Ambry Genetics
Classification: Uncertain significance for Cardiovascular phenotype. Last evaluated: 2023-06-22. Review status: criteria provided, single submitter. Criteria: Ambry Variant Classification Scheme 2023. Collection method: clinical testing. Allele origin: germline.
Comment: The p.R209W variant (also known as c.625C>T), located in coding exon 3 of the APOE gene, results from a C to T substitution at nucleotide position 625. The arginine at codon 209 is replaced by tryptophan, an amino acid with dissimilar properties. This amino acid position is conserved. In addition, the in silico prediction for this alteration is inconclusive. Since supporting evidence is limited at this time, the clinical significance of this alteration remains unclear.